The following is an entry in ClinVar:

NM_153240.5(NPHP3):c.2397G>C (p.Leu799Phe)

Genes: NPHP3 (nephrocystin 3; minus strand), NPHP3-ACAD11 (NPHP3-ACAD11 readthrough (NMD candidate); minus strand). Cytogenetic location: 3q22.1.
Variant type: single nucleotide variant.
Coding change: c.2397G>C on transcript NM_153240.5 (MANE Select); coding-DNA position 2397, G replaced by C.
Protein change: p.Leu799Phe; replaces leucine 799 with phenylalanine.
Molecular consequence: missense variant. On other transcripts: non-coding transcript variant (1).
Genome position (GRCh38, 1-based): chr3:132,692,732, C>G on the plus strand (G>C on the coding strand, the complement: NPHP3 is on the minus strand). VCF-style: chr3-132692732-C-G. GRCh37 (hg19) VCF-style: chr3-132411576-C-G.
Other names: short protein forms L799F.
Identifiers: ClinVar variation 411104 (VCV000411104.8), dbSNP rs1060503157, ClinGen allele CA16611371.

ClinVar aggregate classification (germline): Uncertain significance (1 of 4 stars; one submission).

Conditions:
Nephronophthisis. Also called: Juvenile Nephronophthisis. Identifiers: Orphanet 655, MedGen C0687120, MONDO:0019005, HP:0000090.

Submission:

Labcorp Genetics (formerly Invitae), Labcorp
Classification: Uncertain significance for Nephronophthisis. Last evaluated: 2016-10-18. Review status: criteria provided, single submitter. Criteria: Invitae Variant Classification Sherloc (09022015). Collection method: clinical testing. Allele origin: germline.
Comment: In summary, this variant is a novel missense change that is not predicted to affect protein function. There is no indication that it causes disease, but the available evidence is currently insufficient to prove that conclusively. Therefore, it has been classified as a Variant of Uncertain Significance. Algorithms developed to predict the effect of missense changes on protein structure and function (SIFT, PolyPhen-2, Align-GVGD) all suggest that this variant is likely to be tolerated, but these predictions have not been confirmed by published functional studies. This variant is not present in population databases (ExAC no frequency) and has not been reported in the literature in individuals with a NPHP3-related disease. This sequence change replaces leucine with phenylalanine at codon 799 of the NPHP3 protein (p.Leu799Phe). The leucine residue is highly conserved and there is a small physicochemical difference between leucine and phenylalanine.